The following is an entry in ClinVar:

NM_080680.3(COL11A2):c.3310C>G (p.His1104Asp)

Gene: COL11A2 (collagen type XI alpha 2 chain; minus strand). Cytogenetic location: 6p21.32.
Variant type: single nucleotide variant.
Coding change: c.3310C>G on transcript NM_080680.3 (MANE Select); coding-DNA position 3310, C replaced by G.
Protein change: p.His1104Asp; replaces histidine 1104 with aspartic acid.
Molecular consequence: missense variant.
Genome position (GRCh38, 1-based): chr6:33,171,273, G>C on the plus strand (C>G on the coding strand, the complement: COL11A2 is on the minus strand). VCF-style: chr6-33171273-G-C. GRCh37 (hg19) VCF-style: chr6-33139050-G-C.
Other names: c.3130C>G, p.His1044Asp (NM_001424108.1); c.2464C>G, p.His822Asp (NM_001424109.1); c.2284C>G, p.His762Asp (NM_001424110.1, NM_001424111.1); c.1264C>G, p.His422Asp (NM_001424112.1); c.2989C>G, p.His997Asp (NM_080679.3); c.3052C>G, p.His1018Asp (NM_080681.3); short protein forms H1018D, H1044D, H1104D, H422D, H762D, H822D, H997D.
Identifiers: ClinVar variation 3372987 (VCV003372987.1).

ClinVar aggregate classification (germline): Uncertain significance (1 of 4 stars; one submission).

Submission:

GeneDx
Classification: Uncertain significance. Last evaluated: 2024-04-26. Review status: criteria provided, single submitter. Criteria: GeneDx Variant Classification Process June 2021. Collection method: clinical testing. Allele origin: germline. Affected: yes.
Comment: Not observed at significant frequency in large population cohorts (gnomAD); In silico analysis indicates that this missense variant does not alter protein structure/function; Has not been previously published as pathogenic or benign to our knowledge